The following is an entry in ClinVar:

NM_020223.4(FAM20C):c.251A>G (p.Asn84Ser)

Gene: FAM20C (FAM20C golgi associated secretory pathway kinase; plus strand). Cytogenetic location: 7p22.3.
Variant type: single nucleotide variant.
Coding change: c.251A>G on transcript NM_020223.4 (MANE Select); coding-DNA position 251, A replaced by G.
Protein change: p.Asn84Ser; replaces asparagine 84 with serine.
Molecular consequence: missense variant.
Genome position (GRCh38, 1-based): chr7:193,450, A>G. VCF-style: chr7-193450-A-G. GRCh37 (hg19) VCF-style: chr7-193450-A-G.
Other names: short protein forms N84S.
Identifiers: ClinVar variation 3700851 (VCV003700851.2).

ClinVar aggregate classification (germline): Uncertain significance (1 of 4 stars; one submission).

gnomAD v4.1: 5 of 1,460,516 alleles (0.00034%); highest among the groups gnomAD compares: Non-Finnish European, 0.00036%; no homozygotes.

Submission:

Labcorp Genetics (formerly Invitae), Labcorp
Classification: Uncertain significance. Last evaluated: 2025-01-13. Review status: criteria provided, single submitter. Criteria: Invitae Variant Classification Sherloc (09022015). Collection method: clinical testing. Allele origin: germline.
Comment: This sequence change replaces asparagine, which is neutral and polar, with serine, which is neutral and polar, at codon 84 of the FAM20C protein (p.Asn84Ser). The frequency data for this variant in the population databases is considered unreliable, as metrics indicate poor data quality at this position in the gnomAD database. This variant has not been reported in the literature in individuals affected with FAM20C-related conditions. An algorithm developed to predict the effect of missense changes on protein structure and function (PolyPhen-2) suggests that this variant is likely to be tolerated. In summary, the available evidence is currently insufficient to determine the role of this variant in disease. Therefore, it has been classified as a Variant of Uncertain Significance.